The following is an entry in ClinVar:

ClinVar aggregate classification (germline): Uncertain significance. Review status: criteria provided, multiple submitters, no conflicts (2 of 4 stars). 4 submissions from 3 submitters: Uncertain significance (3). 1 of the submissions does not count toward it. Last evaluated 2025-05-05.

Conditions:
Hyperinsulinemic hypoglycemia, familial, 1 (HHF1). Also called: HYPERINSULINISM, FAMILIAL, WITH PANCREATIC NESIDIOBLASTOSIS; HYPOGLYCEMIA, HYPERINSULINEMIC, OF INFANCY; Persistent hyperinsulinemic hypoglycemia of infancy; NESIDIOBLASTOSIS OF PANCREAS; Persistent Hyperinsulinemia Hypoglycemia of Infancy. Identifiers: Orphanet 276575, Orphanet 276598, MedGen C2931832, MONDO:0009734, OMIM 256450.
Transitory neonatal diabetes mellitus. Also called: Transient neonatal diabetes mellitus. Identifiers: MedGen C0342273, MONDO:0020525, HP:0008255.
Maturity-onset diabetes of the young (MODY). Also called: Maturity onset diabetes mellitus in young. Identifiers: Orphanet 552, MedGen C0342276, MONDO:0018911, HP:0004904.

Submissions (4):

GeneDx
Classification: Uncertain significance. Last evaluated: 2025-05-05. Review status: criteria provided, single submitter. Criteria: GeneDx Variant Classification Process June 2021. Collection method: clinical testing. Allele origin: germline. Affected: yes.
Comment: Not observed at significant frequency in large population cohorts (gnomAD); In-frame deletion of 3 amino acids in a non-repeat region; In silico analysis supports a deleterious effect on protein structure/function; Has not been previously published as pathogenic or benign to our knowledge; This variant is associated with the following publications: (PMID: 21989597, 18025408, 32792356, 27538677, 32027066, 16885549, 16613899, 18981553)

Clinical Genomics, Uppaluri K&H Personalized Medicine Clinic
Classification: Uncertain significance for Maturity-onset diabetes of the young. Review status: criteria provided, single submitter. Criteria: K & H Uppaluri Personalized Medicine Clinic Variant Classification & Assertion Criteria_Updated V.1. Collection method: research. Allele origin: somatic. Inheritance: Somatic mutation.
Comment: Mutations in ABCC8 gene are associated with both neonatal diabetes mellitus as well as MODY. Patients with this mutation may have a better response to sulfonylureas. However, no sufficient evidence is found to ascertain the role of this particular variant (rs1271445653) in MODY yet.

Clinical Genomics, Uppaluri K&H Personalized Medicine Clinic
Classification: Uncertain significance for Transitory neonatal diabetes mellitus. Review status: criteria provided, single submitter. Criteria: K & H Uppaluri Personalized Medicine Clinic Variant Classification & Assertion Criteria_Updated V.1. Collection method: research. Allele origin: somatic. Inheritance: Somatic mutation.
Comment: Mutations in ABCC8 gene are associated with both neonatal diabetes mellitus as well as MODY. Patients with this mutation may have a better response to sulfonylureas. However, no sufficient evidence is found to ascertain the role of this particular variant (rs1271445653) in neonatal diabetes yet.

Counsyl
Classification: Uncertain significance for Hyperinsulinemic hypoglycemia, familial, 1. Last evaluated: 2017-01-11. Review status: no assertion criteria provided. Collection method: clinical testing. Allele origin: unknown. Not counted in ClinVar's aggregate classification.

Literature cited by the submitters: PubMed 16885549 (cited by Clinical Genomics, Uppaluri K&H Personalized Medicine Clinic); PubMed 21989597 (cited by Clinical Genomics, Uppaluri K&H Personalized Medicine Clinic); PubMed 27538677 (cited by Clinical Genomics, Uppaluri K&H Personalized Medicine Clinic); PubMed 18981553 (cited by Clinical Genomics, Uppaluri K&H Personalized Medicine Clinic); PubMed 32027066 (cited by Clinical Genomics, Uppaluri K&H Personalized Medicine Clinic); PubMed 16613899 (cited by Clinical Genomics, Uppaluri K&H Personalized Medicine Clinic); PubMed 18025408 (cited by Clinical Genomics, Uppaluri K&H Personalized Medicine Clinic); PubMed 32792356 (cited by Clinical Genomics, Uppaluri K&H Personalized Medicine Clinic).

NM_000352.6(ABCC8):c.3243_3251del (p.Ser1082_Thr1084del)

Gene: ABCC8 (ATP binding cassette subfamily C member 8; minus strand). Cytogenetic location: 11p15.1.
Variant type: Deletion.
Coding change: c.3243_3251del on transcript NM_000352.6 (MANE Select); coding-DNA positions 3243 to 3251, 9 bases deleted (GTCTGTCAC; older notation c.3243_3251delGTCTGTCAC).
Protein change: p.Ser1082_Thr1084del.
Molecular consequence: inframe deletion. On other transcripts: non-coding transcript variant (1).
Genome position (GRCh38, 1-based): chr11:17,406,700-17,406,708, GTGACAGAC deleted on the plus strand (GTCTGTCAC on the coding strand, the reverse complement: ABCC8 is on the minus strand); deleting any 9 consecutive bases within chr11:17,406,700-17,406,713 gives the same sequence; the c. name uses the placement nearest the transcript's 3' end. VCF-style (leftmost placement, unchanged base first): chr11-17406699-AGTGACAGAC-A. GRCh37 (hg19) VCF-style: chr11-17428246-AGTGACAGAC-A.
Other names: c.3243_3251del9 (NM_000352.3); c.3246_3254del, p.Ser1083_Thr1085del (NM_001287174.3); c.3309_3317del, p.Ser1104_Thr1106del (NM_001351295.2); c.3243_3251del, p.Ser1082_Thr1084del (NM_001351296.2); c.3240_3248del, p.Ser1081_Thr1083del (NM_001351297.2); c.3243_3251del (NM_000352.3).
Identifiers: ClinVar variation 550368 (VCV000550368.4), dbSNP rs1271445653, ClinGen allele CA597904313.